The following is an entry in ClinVar:

NM_006218.4(PIK3CA):c.332A>G (p.Lys111Arg)

Gene: PIK3CA (phosphatidylinositol-4,5-bisphosphate 3-kinase catalytic subunit alpha; plus strand). Cytogenetic location: 3q26.32.
Variant type: single nucleotide variant.
Coding change: c.332A>G on transcript NM_006218.4 (MANE Select); coding-DNA position 332, A replaced by G.
Protein change: p.Lys111Arg; replaces lysine 111 with arginine.
Molecular consequence: missense variant.
Genome position (GRCh38, 1-based): chr3:179,199,157, A>G. VCF-style: chr3-179199157-A-G. GRCh37 (hg19) VCF-style: chr3-178916945-A-G.
Other names: short protein forms K111R.
Identifiers: ClinVar variation 4530371 (VCV004530371.1), dbSNP rs1057519935.
Genomic context (GRCh38, chr3:179,199,157, plus strand): 5'-ACCTTCGGCTTTTTCAACCCTTTTTAAAAGTAATTGAACCAGTAGGCAACCGTGAAGAAA[A>G]GATCCTCAATCGAGAAATTGGTATGATACAATATCCTATTCTAAAATGCAAATAACCATA-3'
Protein context (NP_006209.2, residues 101-121): VIEPVGNREE[Lys111Arg]ILNREIGFAI

ClinVar aggregate classification (somatic clinical impact): Tier I - Strong (1 of 4 stars; one submission).

Conditions:
Diffuse pediatric-type high-grade glioma, H3-wildtype and IDH-wildtype. Identifiers: MedGen C5669918, MONDO:0858939.

Submission:

Institute for Genomic Medicine (IGM) Clinical Laboratory, Nationwide Children's Hospital
Classification: Tier I - Strong for Diffuse pediatric-type high-grade glioma, H3-wildtype and IDH-wildtype. Assertion type: diagnostic. Clinical significance: supports diagnosis. Last evaluated: 2024-07-03. Review status: criteria provided, single submitter. Criteria: AMP/ASCO/CAP Guidelines, 2017. Collection method: clinical testing. Allele origin: somatic. Affected: yes.
Comment: Variant has Tier I (strong) clinical significance as a diagnostic inclusion criterion in diffuse pediatric-type high-grade glioma, H3-wildtype and IDH-wildtype, based on the following evidence: 1) Diagnostic for a specific tumor type/classification based on well-powered studies with expert-level consensus (Evidence Level B; PMIDs: 28966033, 24705251, 29763623, 28912153, 35332262).

Literature cited by the submitters: PubMed 28966033; PubMed 24705251; PubMed 29763623; PubMed 28912153; PubMed 35332262.